The following is an entry in ClinVar:

ClinVar aggregate classification (germline): Conflicting classifications of pathogenicity. Review status: criteria provided, conflicting classifications (1 of 4 stars). 3 submissions from 3 submitters: Uncertain significance (1); Benign (1); Likely benign (1). Last evaluated 2026-01-13.

Conditions:
Palmoplantar keratoderma-esophageal carcinoma syndrome (TOC). Also called: PALMOPLANTAR KERATODERMA WITH ESOPHAGEAL CANCER; KERATOSIS PALMARIS ET PLANTARIS WITH ESOPHAGEAL CANCER; Tylosis with Esophageal Cancer. Identifiers: Orphanet 2198, MedGen C1835664, MONDO:0007856, OMIM 148500.

Allele frequency attached by ClinVar (database versions not stated): gnomAD exomes 0.00018; ExAC 0.00021; gnomAD 0.00021; TOPMed 0.00021; 1000 Genomes Project 30x 0.00031; ESP Exome Variant Server 0.00031; 1000 Genomes Project 0.00040.
gnomAD v4.1: 328 of 1,613,832 alleles (0.02%); highest among the groups gnomAD compares: Non-Finnish European, 0.026%; no homozygotes.

Submissions (3):

Labcorp Genetics (formerly Invitae), Labcorp
Classification: Uncertain significance. Last evaluated: 2026-01-13. Review status: criteria provided, single submitter. Criteria: Invitae Variant Classification Sherloc (09022015). Collection method: clinical testing. Allele origin: germline.
Comment: This sequence change replaces glycine, which is neutral and non-polar, with arginine, which is basic and polar, at codon 346 of the RHBDF2 protein (p.Gly346Arg). This variant is present in population databases (rs144817869, gnomAD 0.03%), and has an allele count higher than expected for a pathogenic variant. This variant has not been reported in the literature in individuals affected with RHBDF2-related conditions. ClinVar contains an entry for this variant (Variation ID: 325445). An algorithm developed to predict the effect of missense changes on protein structure and function outputs the following: PolyPhen-2: "Benign". The arginine amino acid residue is found in multiple mammalian species, which suggests that this missense change does not adversely affect protein function. In summary, the available evidence is currently insufficient to determine the role of this variant in disease. Therefore, it has been classified as a Variant of Uncertain Significance.

Blueprint Genetics
Classification: Likely benign. Last evaluated: 2024-09-25. Review status: criteria provided, single submitter. Criteria: ACMG Guidelines, 2015. Collection method: clinical testing. Allele origin: germline.

Illumina Laboratory Services, Illumina
Classification: Benign for Palmoplantar keratoderma-esophageal carcinoma syndrome. Last evaluated: 2018-01-13. Review status: criteria provided, single submitter. Criteria: ICSL Variant Classification Criteria 13 December 2019. Collection method: clinical testing. Allele origin: germline.
Comment: This variant was observed in the ICSL laboratory as part of a predisposition screen in an ostensibly healthy population. It had not been previously curated by ICSL or reported in the Human Gene Mutation Database (HGMD: prior to June 1st, 2018), and was therefore a candidate for classification through an automated scoring system. Utilizing variant allele frequency, disease prevalence and penetrance estimates, and inheritance mode, an automated score was calculated to assess if this variant is too frequent to cause the disease. Based on the score and internal cut-off values, a variant classified as benign is not then subjected to further curation. The score for this variant resulted in a classification of benign for this disease.

NM_001005498.4(RHBDF2):c.949G>A (p.Gly317Arg)

Gene: RHBDF2 (rhomboid 5 homolog 2; minus strand). Cytogenetic location: 17q25.1.
Variant type: single nucleotide variant.
Coding change: c.949G>A on transcript NM_001005498.4 (MANE Select); coding-DNA position 949, G replaced by A.
Protein change: p.Gly317Arg; replaces glycine 317 with arginine.
Molecular consequence: missense variant. On other transcripts: non-coding transcript variant (3).
Genome position (GRCh38, 1-based): chr17:76,476,996, C>T on the plus strand (G>A on the coding strand, the complement: RHBDF2 is on the minus strand). VCF-style: chr17-76476996-C-T. GRCh37 (hg19) VCF-style: chr17-74473078-C-T.
Other names: c.949G>A, p.Gly317Arg (NM_001376228.1, NM_001376229.1, NM_001376230.1); c.1036G>A, p.Gly346Arg (NM_024599.5); short protein forms G346R, G317R.
Identifiers: ClinVar variation 325445 (VCV000325445.11), dbSNP rs144817869, ClinGen allele CA8787167.